The following is an entry in ClinVar:

NM_018124.4(RFWD3):c.1220A>G (p.Gln407Arg)

Gene: RFWD3 (ring finger and WD repeat domain 3; minus strand). Cytogenetic location: 16q23.1.
Variant type: single nucleotide variant.
Coding change: c.1220A>G on transcript NM_018124.4 (MANE Select); coding-DNA position 1220, A replaced by G.
Protein change: p.Gln407Arg; replaces glutamine 407 with arginine.
Molecular consequence: missense variant.
Genome position (GRCh38, 1-based): chr16:74,636,552, T>C on the plus strand (A>G on the coding strand, the complement: RFWD3 is on the minus strand). VCF-style: chr16-74636552-T-C. GRCh37 (hg19) VCF-style: chr16-74670450-T-C.
Other names: c.386A>G, p.Gln129Arg (NM_001370537.1, NM_001370539.1, NM_001370540.1 and 3 more transcripts); c.1220A>G, p.Gln407Arg (NM_001370534.1, NM_001370535.1, NM_001370536.1); short protein forms Q129R, Q407R.
Identifiers: ClinVar variation 2110286 (VCV002110286.4), dbSNP rs566050457, ClinGen allele CA8169270.

ClinVar aggregate classification (germline): Uncertain significance (1 of 4 stars; one submission).

Allele frequency attached by ClinVar (database versions not stated): ExAC 0.00001; TOPMed 0.00001; gnomAD 0.00003.
gnomAD v4.1: 34 of 1,613,732 alleles (0.0021%); highest among the groups gnomAD compares: Non-Finnish European, 0.0028%; no homozygotes.

Submission:

Labcorp Genetics (formerly Invitae), Labcorp
Classification: Uncertain significance. Last evaluated: 2022-05-27. Review status: criteria provided, single submitter. Criteria: Invitae Variant Classification Sherloc (09022015). Collection method: clinical testing. Allele origin: germline.
Comment: In summary, the available evidence is currently insufficient to determine the role of this variant in disease. Therefore, it has been classified as a Variant of Uncertain Significance. Algorithms developed to predict the effect of missense changes on protein structure and function output the following: SIFT: "Tolerated"; PolyPhen-2: "Benign"; Align-GVGD: "Class C0". The arginine amino acid residue is found in multiple mammalian species, which suggests that this missense change does not adversely affect protein function. This variant has not been reported in the literature in individuals affected with RFWD3-related conditions. This variant is present in population databases (rs566050457, gnomAD 0.005%). This sequence change replaces glutamine, which is neutral and polar, with arginine, which is basic and polar, at codon 407 of the RFWD3 protein (p.Gln407Arg).